The following is an entry in ClinVar:

ClinVar aggregate classification (germline): Uncertain significance (1 of 4 stars; one submission).

Submission:

GeneDx
Classification: Uncertain significance. Last evaluated: 2019-12-16. Review status: criteria provided, single submitter. Criteria: GeneDx Variant Classification Process June 2021. Collection method: clinical testing. Allele origin: germline. Affected: yes.
Comment: Not observed in large population cohorts (Lek et al., 2016); In silico analysis, which includes protein predictors and evolutionary conservation, supports a deleterious effect; Has not been previously published as pathogenic or benign to our knowledge

NM_001376.5(DYNC1H1):c.11792A>G (p.Gln3931Arg)

Gene: DYNC1H1 (dynein cytoplasmic 1 heavy chain 1; plus strand). Cytogenetic location: 14q32.31.
Variant type: single nucleotide variant.
Coding change: c.11792A>G on transcript NM_001376.5 (MANE Select); coding-DNA position 11792, A replaced by G.
Protein change: p.Gln3931Arg; replaces glutamine 3931 with arginine.
Molecular consequence: missense variant.
Genome position (GRCh38, 1-based): chr14:102,040,337, A>G. VCF-style: chr14-102040337-A-G. GRCh37 (hg19) VCF-style: chr14-102506674-A-G.
Other names: short protein forms Q3931R.
Identifiers: ClinVar variation 1311133 (VCV001311133.2), dbSNP rs2152595660, ClinGen allele CA391036812.